The following is an entry in ClinVar:

NM_007294.4(BRCA1):c.5269G>A (p.Asp1757Asn)

Gene: BRCA1 (BRCA1 DNA repair associated; minus strand). Cytogenetic location: 17q21.31.
Variant type: single nucleotide variant.
Coding change: c.5269G>A on transcript NM_007294.4 (MANE Select); coding-DNA position 5269, G replaced by A.
Protein change: p.Asp1757Asn; replaces aspartic acid 1757 with asparagine.
Molecular consequence: missense variant. On other transcripts: non-coding transcript variant (1).
Genome position (GRCh38, 1-based): chr17:43,057,060, C>T on the plus strand (G>A on the coding strand, the complement: BRCA1 is on the minus strand). VCF-style: chr17-43057060-C-T. GRCh37 (hg19) VCF-style: chr17-41209077-C-T.
Other names: c.5059G>A, p.Asp1687Asn (NM_001407879.1, NM_001407881.1, NM_001407882.1 and 5 more transcripts); c.5056G>A, p.Asp1686Asn (NM_001407906.1, NM_001407907.1, NM_001407908.1 and 12 more transcripts); c.5053G>A, p.Asp1685Asn (NM_001407915.1, NM_001407916.1, NM_001407917.1 and 1 more transcripts); c.5002G>A, p.Asp1668Asn (NM_001407929.1, NM_001407930.1, NM_001407931.1 and 4 more transcripts); c.4999G>A, p.Asp1667Asn (NM_001407934.1, NM_001407935.1, NM_001407936.1); c.5146G>A, p.Asp1716Asn (NM_001407937.1, NM_001407664.1, NM_001407665.1 and 6 more transcripts); c.4936G>A, p.Asp1646Asn (NM_001407948.1, NM_001407949.1, NM_001407946.1 and 1 more transcripts); c.4933G>A, p.Asp1645Asn (NM_001407950.1, NM_001407951.1, NM_001407952.1 and 3 more transcripts); and 72 more; short protein forms D1757N, D1710N, D653N, D1778N, D1461N, D1628N, D1645N, D1686N.
Identifiers: ClinVar variation 531222 (VCV000531222.17), dbSNP rs863224764, ClinGen allele CA10591017.

ClinVar aggregate classification (germline): Conflicting classifications of pathogenicity. Review status: criteria provided, conflicting classifications (1 of 4 stars). 3 submissions from 3 submitters: Uncertain significance (2); Likely benign (1). Last evaluated 2025-11-10.

Conditions:
Hereditary cancer-predisposing syndrome. Also called: Tumor predisposition; Hereditary Cancer Syndrome; Hereditary neoplastic syndrome; Neoplastic Syndromes, Hereditary. Identifiers: Orphanet 140162, MedGen C0027672, MeSH D009386, MONDO:0015356.
Hereditary breast ovarian cancer syndrome. Also called: Breast and ovarian cancer; Hereditary breast and/or ovarian cancer syndrome; BRCA1- and BRCA2-Associated Hereditary Breast and Ovarian Cancer; Hereditary breast and ovarian cancer syndrome; Hereditary breast and ovarian cancer syndrome (HBOC); Hereditary breast and ovarian cancer. Identifiers: Orphanet 145, MedGen C0677776, MeSH D061325, MONDO:0003582. Disease mechanism: loss of function.

Submissions (4):

Labcorp Genetics (formerly Invitae), Labcorp
Classification: Uncertain significance for Hereditary breast ovarian cancer syndrome. Last evaluated: 2025-11-10. Review status: criteria provided, single submitter. Criteria: Invitae Variant Classification Sherloc (09022015). Collection method: clinical testing. Allele origin: germline.
Comment: This sequence change replaces aspartic acid, which is acidic and polar, with asparagine, which is neutral and polar, at codon 1757 of the BRCA1 protein (p.Asp1757Asn). This variant is not present in population databases (gnomAD no frequency). This missense change has been observed in individual(s) with breast cancer (PMID: 24884828). ClinVar contains an entry for this variant (Variation ID: 531222). Invitae Evidence Modeling incorporating data from in vitro experimental studies (PMID: 30209399) indicates that this missense variant is not expected to disrupt BRCA1 function with a negative predictive value of 95%. Experimental studies have shown that this missense change does not substantially affect BRCA1 function (PMID: 30209399). In summary, the available evidence is currently insufficient to determine the role of this variant in disease. Therefore, it has been classified as a Variant of Uncertain Significance.

Ambry Genetics
Classification: Likely benign for Hereditary cancer-predisposing syndrome. Last evaluated: 2022-04-07. Review status: criteria provided, single submitter. Criteria: Ambry Variant Classification Scheme 2023. Collection method: clinical testing. Allele origin: germline.

Women's Health and Genetics/Laboratory Corporation of America, LabCorp
Classification: Uncertain significance. Last evaluated: 2019-06-03. Review status: criteria provided, single submitter. Criteria: LabCorp Variant Classification Summary - May 2015. Collection method: clinical testing. Allele origin: germline.
Comment: Variant summary: BRCA1 c.5269G>A (p.Asp1757Asn) results in a conservative amino acid change located in the BRCT domain of the encoded protein sequence. Three of five in-silico tools predict a damaging effect of the variant on protein function. The variant was absent in 251492 control chromosomes (gnomAD). The available data on variant occurrences in the general population are insufficient to allow any conclusion about variant significance. c.5269G>A has been reported in the literature in individuals affected with Hereditary Breast and Ovarian Cancer (Cecener_2014). These report(s) do not provide unequivocal conclusions about association of the variant with Hereditary Breast and Ovarian Cancer. A functional study, Fernandes_2019, found the variant to act comparable to wild type in transcription activity. A ClinVar submission from a clinical diagnostic laboratory (evaluation after 2014) cites the variant as uncertian significance. Based on the evidence outlined above, the variant was classified as VUS-possibly benign.

Brotman Baty Institute, University of Washington
No classification provided (evidence only). Condition: Breast-ovarian cancer, familial 1. Review status: no classification provided. Collection method: in vitro. Allele origin: not applicable. Functional consequence: functionally_normal. Not counted in ClinVar's aggregate classification.
ClinVar note: "not provided" was previously submitted as the classification for the variant. However, the classification appeared to be based only on an observation of functional data so it was converted to no classification on 2025-07-30.

Literature cited by the submitters: PubMed 24884828 (cited by 3 submitters); PubMed 30209399 (cited by Labcorp Genetics (formerly Invitae), Labcorp and Ambry Genetics); PubMed 30765603 (cited by Ambry Genetics and Women's Health and Genetics/Laboratory Corporation of America, LabCorp).